The following is an entry in ClinVar:

NM_006859.4(LIAS):c.833T>C (p.Ile278Thr)

Gene: LIAS (lipoic acid synthetase; plus strand). Cytogenetic location: 4p14.
Variant type: single nucleotide variant.
Coding change: c.833T>C on transcript NM_006859.4 (MANE Select); coding-DNA position 833, T replaced by C.
Protein change: p.Ile278Thr; replaces isoleucine 278 with threonine.
Molecular consequence: missense variant.
Genome position (GRCh38, 1-based): chr4:39,470,114, T>C. VCF-style: chr4-39470114-T-C. GRCh37 (hg19) VCF-style: chr4-39471734-T-C.
Other names: c.704T>C, p.Ile235Thr (NM_001278590.2); c.524T>C, p.Ile175Thr (NM_001363700.2); c.833T>C, p.Ile278Thr (NM_194451.3); short protein forms I175T, I235T, I278T.
Identifiers: ClinVar variation 999890 (VCV000999890.8), dbSNP rs1744928054, ClinGen allele CA356665325.

ClinVar aggregate classification (germline): Uncertain significance (1 of 4 stars; one submission).

Conditions:
Lipoic acid synthetase deficiency. Also called: HYPERGLYCINEMIA, LACTIC ACIDOSIS, AND SEIZURES. Identifiers: Orphanet 401859, MedGen C3280887, MONDO:0013762, OMIM 614462.

gnomAD v4.1: 1 of 1,613,864 alleles (0.000062%); no homozygotes.

Submission:

Labcorp Genetics (formerly Invitae), Labcorp
Classification: Uncertain significance for Lipoic acid synthetase deficiency. Last evaluated: 2020-10-07. Review status: criteria provided, single submitter. Criteria: Invitae Variant Classification Sherloc (09022015). Collection method: clinical testing. Allele origin: germline.
Comment: Algorithms developed to predict the effect of missense changes on protein structure and function (SIFT, PolyPhen-2, Align-GVGD) all suggest that this variant is likely to be disruptive, but these predictions have not been confirmed by published functional studies and their clinical significance is uncertain. This variant has not been reported in the literature in individuals with LIAS-related conditions. This variant is not present in population databases (ExAC no frequency). This sequence change replaces isoleucine with threonine at codon 278 of the LIAS protein (p.Ile278Thr). The isoleucine residue is highly conserved and there is a moderate physicochemical difference between isoleucine and threonine. In summary, the available evidence is currently insufficient to determine the role of this variant in disease. Therefore, it has been classified as a Variant of Uncertain Significance.